The following is an entry in ClinVar:

NM_000046.5(ARSB):c.17_21dup (p.Ser8fs)

Genes: ARSB (arylsulfatase B; minus strand), LOC129994126 (ATAC-STARR-seq lymphoblastoid silent region 16127; plus strand). Cytogenetic location: 5q14.1.
Variant type: Microsatellite.
Coding change: c.17_21dup on transcript NM_000046.5 (MANE Select); coding-DNA positions 17 to 21, 5 bases duplicated (CGGCG; older notation c.17_21dupCGGCG).
Protein change: p.Ser8fs; shifts the reading frame from serine 8.
Molecular consequence: frameshift variant.
Genome position (GRCh38, 1-based): chr5:78,985,228-78,985,232, CGCCG duplicated on the plus strand (CGGCG on the coding strand, the reverse complement: ARSB is on the minus strand); duplicating any 5 consecutive bases within chr5:78,985,228-78,985,240 gives the same sequence; the c. name uses the placement nearest the transcript's 3' end. VCF-style (leftmost placement, unchanged base first): chr5-78985227-T-TCGCCG. GRCh37 (hg19) VCF-style: chr5-78281050-T-TCGCCG.
Other names: c.17_21dup, p.Ser8fs (NM_198709.3); short protein forms S8fs.
Identifiers: ClinVar variation 2191776 (VCV002191776.5), dbSNP rs2530672763, ClinGen allele CA2580613572.

ClinVar aggregate classification (germline): Pathogenic. Review status: criteria provided, multiple submitters, no conflicts (2 of 4 stars). 2 submissions from 2 submitters: Pathogenic (2). Last evaluated 2026-07-01.

Conditions:
Mucopolysaccharidosis type 6 (MPS6). Also called: N-ACETYLGALACTOSAMINE-4-SULFATASE DEFICIENCY; ARSB DEFICIENCY; ARYLSULFATASE B DEFICIENCY; MPS VI; MPS 6; Maroteaux Lamy syndrome. Identifiers: Orphanet 583, MedGen C0026709, MONDO:0009661, OMIM 253200.

Submissions (2):

CeGaT Center for Human Genetics Tuebingen
Classification: Pathogenic. Last evaluated: 2026-07-01. Review status: criteria provided, single submitter. Criteria: CeGaT Center For Human Genetics Tuebingen Variant Classification Criteria Version 2. Collection method: clinical testing. Allele origin: germline. Affected: yes. Observed: 1 variant allele.
Comment: ARSB: PVS1, PM2, PP4

Labcorp Genetics (formerly Invitae), Labcorp
Classification: Pathogenic for Mucopolysaccharidosis type 6. Last evaluated: 2022-05-16. Review status: criteria provided, single submitter. Criteria: Invitae Variant Classification Sherloc (09022015). Collection method: clinical testing. Allele origin: germline.
Comment: This sequence change creates a premature translational stop signal (p.Ser8Argfs*50) in the ARSB gene. It is expected to result in an absent or disrupted protein product. Loss-of-function variants in ARSB are known to be pathogenic (PMID: 17458871, 22133300). This variant is not present in population databases (gnomAD no frequency). This variant has not been reported in the literature in individuals affected with ARSB-related conditions. For these reasons, this variant has been classified as Pathogenic.

Literature cited by the submitters: PubMed 17458871 (cited by Labcorp Genetics (formerly Invitae), Labcorp); PubMed 22133300 (cited by Labcorp Genetics (formerly Invitae), Labcorp).